The following is an entry in ClinVar:

NM_000049.4(ASPA):c.654C>A (p.Cys218Ter)

Genes: ASPA (aspartoacylase; plus strand), SPATA22 (spermatogenesis associated 22; minus strand). Cytogenetic location: 17p13.2.
Variant type: single nucleotide variant.
Coding change: c.654C>A on transcript NM_000049.4 (MANE Select); coding-DNA position 654, C replaced by A.
Protein change: p.Cys218Ter; replaces cysteine 218 with a stop codon.
Molecular consequence: nonsense. On other transcripts: intron variant (2).
Genome position (GRCh38, 1-based): chr17:3,494,369, C>A. VCF-style: chr17-3494369-C-A. GRCh37 (hg19) VCF-style: chr17-3397663-C-A.
Other names: c.654C>A, p.Cys218Ter (NM_001128085.1); c.-74+19043G>T (NM_001321336.2, NM_001321337.2); short protein forms C218*.
Identifiers: ClinVar variation 2608 (VCV000002608.26), dbSNP rs104894549, ClinGen allele CA252358.

ClinVar aggregate classification (germline): Pathogenic. Review status: criteria provided, multiple submitters, no conflicts (2 of 4 stars). 8 submissions from 8 submitters: Pathogenic (6). 2 of the submissions do not count toward it. Last evaluated 2025-08-26.

Conditions:
Canavan Disease, Familial Form. Identifiers: MedGen C0751663.
Spongy degeneration of central nervous system. Also called: Von Bogaert-Bertrand disease; ACY2 DEFICIENCY; AMINOACYLASE 2 DEFICIENCY; ASP DEFICIENCY; ASPA DEFICIENCY; ASPARTOACYLASE DEFICIENCY. Identifiers: Orphanet 141, MedGen C0206307, MONDO:0010079, OMIM 271900.

gnomAD v4.1: 5 of 1,611,054 alleles (0.00031%); highest among the groups gnomAD compares: South Asian, 0.0022%; no homozygotes.

Submissions (8):

Natera, Inc.
Classification: Pathogenic for Canavan Disease. Last evaluated: 2025-08-26. Review status: criteria provided, single submitter. Criteria: Natera Variant Classification Schema (03/2026). Collection method: clinical testing. Allele origin: germline.
Comment: The c.654C>A variant in ASPA is a nonsense variant predicted to introduce a stop codon at amino acid 218. This variant is expected to result in nonsense mediated decay, truncation, or a dysfunctional protein product. This variant is rare in the general population with a frequency below the threshold expected for the associated phenotype(s). This variant has been observed in one or more individuals affected with the associated recessive disease, as either homozygous or compound heterozygous with a second variant (PMID: 7668285). Given the available evidence, this variant is classified as Pathogenic.

Labcorp Genetics (formerly Invitae), Labcorp
Classification: Pathogenic for Spongy degeneration of central nervous system. Last evaluated: 2024-11-07. Review status: criteria provided, single submitter. Criteria: Invitae Variant Classification Sherloc (09022015). Collection method: clinical testing. Allele origin: germline.
Comment: This sequence change creates a premature translational stop signal (p.Cys218*) in the ASPA gene. It is expected to result in an absent or disrupted protein product. Loss-of-function variants in ASPA are known to be pathogenic (PMID: 12638939). This variant is present in population databases (rs104894549, gnomAD 0.003%). This premature translational stop signal has been observed in individual(s) with Canavan disease (PMID: 7668285). ClinVar contains an entry for this variant (Variation ID: 2608). For these reasons, this variant has been classified as Pathogenic.

Laboratory of Medical Genetics, National & Kapodistrian University of Athens
Classification: Pathogenic for Spongy degeneration of central nervous system. Last evaluated: 2024-02-01. Review status: criteria provided, single submitter. Criteria: ACMG Guidelines, 2015. Collection method: curation. Allele origin: germline. Affected: no.

Genome-Nilou Lab
Classification: Pathogenic for Spongy degeneration of central nervous system. Last evaluated: 2021-11-07. Review status: criteria provided, single submitter. Criteria: ACMG Guidelines, 2015. Collection method: clinical testing. Allele origin: germline. Affected: no.

Women's Health and Genetics/Laboratory Corporation of America, LabCorp
Classification: Pathogenic for Canavan Disease, Familial Form. Last evaluated: 2021-04-05. Review status: criteria provided, single submitter. Criteria: LabCorp Variant Classification Summary - May 2015. Collection method: clinical testing. Allele origin: germline.
Comment: Variant summary: ASPA c.654C>A (p.Cys218X) results in a premature termination codon, predicted to cause a truncation of the encoded protein or absence of the protein due to nonsense mediated decay, which are commonly known mechanisms for disease. Truncations downstream of this position have been classified as pathogenic by our laboratory. The variant allele was found at a frequency of 8e-06 in 251460 control chromosomes. c.654C>A has been reported in the literature as homozygous in multiple individuals affected with Canavan Disease (e.g. Shaag_1995). These data indicate that the variant is very likely to be associated with disease. To our knowledge, no experimental evidence demonstrating an impact on protein function has been reported. One other clinical diagnostic laboratory has submitted clinical-significance assessments for this variant to ClinVar after 2014 without evidence for independent evaluation and cited the variant as pathogenic. Based on the evidence outlined above, the variant was classified as pathogenic.

Broad Center for Mendelian Genomics, Broad Institute of MIT and Harvard
Classification: Pathogenic for Spongy degeneration of central nervous system. Last evaluated: 2018-12-03. Review status: criteria provided, single submitter. Criteria: ACMG Guidelines, 2015. Collection method: research. Allele origin: germline. Inheritance: Autosomal recessive inheritance. Affected: yes.
Comment: The homozygous p.Cys218Ter variant in ASPA was identified by our study in two siblings with Canavan Disease. This variant has been identified in <0.01% (1/30780) of South Asian chromosomes by the Genome Aggregation Database (gnomAD; dbSNP rs104894549). Although this variant has been seen in the general population, its frequency is low enough to be consistent with a recessive carrier frequency. Loss of function of the ASPA gene is an established disease mechanism in autosomal recessive Canavan Disease, and this is a loss of function variant. In summary, this variant is pathogenic.

Leeds Institute of Medical Research, University of Leeds
Classification: Pathogenic for Spongy degeneration of central nervous system. Last evaluated: 2025-01-27. Review status: no assertion criteria provided. Collection method: research. Allele origin: germline. Affected: yes. Observed: 1 variant allele. Not counted in ClinVar's aggregate classification.
Comment: This homozygous missense variant, NM_000049.4:c.654C>A, in ASPA gene creates a premature stop codon. In silico prediction tools including MutationTaster, DANN and BayesDel predicted this variant to be harmful and it has a CADD-Phred score of 36. The gnomAD v4.0.1 (Exomes) maf for this variant is 0.000002742 (in South Asia 0.00002197). It meets the ACMG criteria of PP5, PM3, PVS1, PM2 and classified as pathogenic.

OMIM
Classification: Pathogenic for CANAVAN DISEASE. Last evaluated: 1995-09-01. Review status: no assertion criteria provided. Collection method: literature only. Allele origin: germline. Not counted in ClinVar's aggregate classification.

Literature cited by the submitters: PubMed 7668285 (cited by 5 submitters); PubMed 12638939 (cited by Labcorp Genetics (formerly Invitae), Labcorp); PubMed 17194761 (cited by Women's Health and Genetics/Laboratory Corporation of America, LabCorp); PubMed 10724099 (cited by Women's Health and Genetics/Laboratory Corporation of America, LabCorp); PubMed 10704428 (cited by Women's Health and Genetics/Laboratory Corporation of America, LabCorp); PubMed 28101991 (cited by Women's Health and Genetics/Laboratory Corporation of America, LabCorp); PubMed 14567959 (cited by Women's Health and Genetics/Laboratory Corporation of America, LabCorp).